The following is an entry in ClinVar:

NM_001387430.1(SH2B1):c.467G>A (p.Arg156His)

Gene: SH2B1 (SH2B adaptor protein 1; plus strand). Cytogenetic location: 16p11.2.
Variant type: single nucleotide variant.
Coding change: c.467G>A on transcript NM_001387430.1 (MANE Select); coding-DNA position 467, G replaced by A.
Protein change: p.Arg156His; replaces arginine 156 with histidine.
Molecular consequence: missense variant. On other transcripts: intron variant (1).
Genome position (GRCh38, 1-based): chr16:28,866,561, G>A. VCF-style: chr16-28866561-G-A. GRCh37 (hg19) VCF-style: chr16-28877882-G-A.
Other names: c.467G>A, p.Arg156His (NM_001145795.2, NM_001145796.2, NM_001145797.2 and 4 more transcripts); c.-26-813G>A (NM_001308294.2); short protein forms R156H.
Identifiers: ClinVar variation 3051048 (VCV003051048.3), dbSNP rs1198783948, ClinGen allele CA395423255.
Genomic context (GRCh38, chr16:28,866,561, plus strand): 5'-CAGTCTCTTCCTCCTCTACAACCTCCTCCAAGCCGAAGCTCAAGAAGCGCTTTTCCCTGC[G>A]TTCAGTGGGTCGCTCTGTCCGAGGCTCAGTCCGTGGCATCCTGCAGTGGCGGGGGACCGT-3'
Protein context (NP_001374359.1, residues 146-166): KPKLKKRFSL[Arg156His]SVGRSVRGSV

ClinVar aggregate classification (germline): Uncertain significance (1 of 4 stars; one submission).

Conditions:
SH2B1-related disorder. Also called: SH2B1-related condition.

Allele frequency attached by ClinVar (database versions not stated): TOPMed below 0.00001; gnomAD 0.00001.
gnomAD v4.1: 4 of 1,613,874 alleles (0.00025%); highest among the groups gnomAD compares: East Asian, 0.0022%; no homozygotes.

Submission:

PreventionGenetics, part of Exact Sciences
Classification: Uncertain significance for SH2B1-related condition. Last evaluated: 2026-03-09. Review status: criteria provided, single submitter. Criteria: ACMG Guidelines, 2015. Collection method: clinical testing. Allele origin: germline.
Comment: The SH2B1 c.467G>A variant is predicted to result in the amino acid substitution p.Arg156His. To our knowledge, this variant has not been reported in the literature or in a large population database (gnomAD), indicating this variant is rare. At this time, the clinical significance of this variant is uncertain due to the absence of conclusive functional and genetic evidence.